The following is an entry in ClinVar:

ClinVar aggregate classification (germline): Conflicting classifications of pathogenicity. Review status: criteria provided, conflicting classifications (1 of 4 stars). 7 submissions from 7 submitters: Uncertain significance (6); Likely benign (1). Last evaluated 2026-05-06.

Conditions:
CACNA1C-related disorder. Also called: CACNA1C-related disorders; CACNA1C-related condition. Identifiers: MedGen CN381092, MONDO:0700321.
Brugada syndrome 3 (BRGDA3). Identifiers: Orphanet 130, MedGen C2678478, MONDO:0012742, OMIM 611875.
Long QT syndrome 8. Identifiers: MedGen CN260585, MONDO:0032756, OMIM 618447.
Timothy syndrome (TS). Also called: LONG QT SYNDROME WITH SYNDACTYLY. Identifiers: Orphanet 65283, MedGen C1832916, MeSH C536962, MONDO:0010979, OMIM 601005.
Cardiovascular phenotype. Identifiers: MedGen CN230736.
Long QT syndrome (LQTS). Identifiers: MedGen C0023976, MeSH D008133, MONDO:0002442. Disease mechanism: loss of function. Inheritance: Various modes of inheritance.

Allele frequency attached by ClinVar (database versions not stated): TOPMed below 0.00001; gnomAD 0.00003 and 0.00002; ESP Exome Variant Server 0.00008; 1000 Genomes Project 30x 0.00016; 1000 Genomes Project 0.00020; gnomAD exomes 0.00002; ExAC 0.00004.
gnomAD v4.1: 20 of 1,613,210 alleles (0.0012%); highest among the groups gnomAD compares: Admixed American, 0.01%; no homozygotes.

Submissions (7):

PreventionGenetics, part of Exact Sciences
Classification: Uncertain significance for CACNA1C-related condition. Last evaluated: 2026-05-06. Review status: criteria provided, single submitter. Criteria: ACMG Guidelines, 2015. Collection method: clinical testing. Allele origin: germline.
Comment: The CACNA1C c.5198C>T variant is predicted to result in the amino acid substitution p.Ala1733Val. This variant has been reported in individuals with drug-induced long QT syndrome or sudden infant death syndrome (Ramirez et al. 2013. PubMed ID: 22584458; described as p.Ala1741Val, Liebrechts-Akkerman et al. 2020. PubMed ID: 32145446). This variant is reported in 0.0085% of alleles in individuals of Latino descent in gnomAD. At this time, the clinical significance of this variant is uncertain due to the absence of conclusive functional and genetic evidence.

Women's Health and Genetics/Laboratory Corporation of America, LabCorp
Classification: Uncertain significance. Last evaluated: 2025-07-23. Review status: criteria provided, single submitter. Criteria: LabCorp Variant Classification Summary - May 2015. Collection method: clinical testing. Allele origin: germline.
Comment: Variant summary: CACNA1C c.5198C>T (p.Ala1733Val) results in a non-conservative amino acid change in the encoded protein sequence. Algorithms developed to predict the effect of missense changes on protein structure and function are either unavailable or do not agree on the potential impact of this missense change. The variant allele was found at a frequency of 2.4e-05 in 246464 control chromosomes (gnomAD). The available data on variant occurrences in the general population are insufficient to allow any conclusion about variant significance. c.5198C>T has been observed in individuals affected with Congenital Cardiac Arrhythmia and Sudden Infant Death Syndrome (Ramirez_2013, Liebrechts-Akkerman_2020). These reports do not provide unequivocal conclusions about association of the variant with Timothy Syndrome. To our knowledge, no experimental evidence demonstrating an impact on protein function has been reported. The following publications have been ascertained in the context of this evaluation (PMID: 32145446, 22584458). ClinVar contains an entry for this variant (Variation ID: 190686). Based on the evidence outlined above, the variant was classified as uncertain significance.

Labcorp Genetics (formerly Invitae), Labcorp
Classification: Uncertain significance for Long QT syndrome. Last evaluated: 2024-10-05. Review status: criteria provided, single submitter. Criteria: Invitae Variant Classification Sherloc (09022015). Collection method: clinical testing. Allele origin: germline.
Comment: This sequence change replaces alanine, which is neutral and non-polar, with valine, which is neutral and non-polar, at codon 1733 of the CACNA1C protein (p.Ala1733Val). This variant is present in population databases (rs201049603, gnomAD 0.009%). This missense change has been observed in individual(s) with clinical features of CACNA1C-related conditions (PMID: 22584458, 32145446). This variant is also known as c.5222C>T, p.A1741V. ClinVar contains an entry for this variant (Variation ID: 190686). Invitae Evidence Modeling of protein sequence and biophysical properties (such as structural, functional, and spatial information, amino acid conservation, physicochemical variation, residue mobility, and thermodynamic stability) indicates that this missense variant is not expected to disrupt CACNA1C protein function with a negative predictive value of 95%. In summary, the available evidence is currently insufficient to determine the role of this variant in disease. Therefore, it has been classified as a Variant of Uncertain Significance.

GeneDx
Classification: Uncertain significance. Last evaluated: 2023-10-03. Review status: criteria provided, single submitter. Criteria: GeneDx Variant Classification Process June 2021. Collection method: clinical testing. Allele origin: germline. Affected: yes.
Comment: Observed in an individual with drug-inducted LQTS (Ramirez et al., 2013); In silico analysis supports that this missense variant does not alter protein structure/function; This variant is associated with the following publications: (PMID: 23834499, 22584458, 32145446)

Ambry Genetics
Classification: Likely benign for Cardiovascular phenotype. Last evaluated: 2023-06-22. Review status: criteria provided, single submitter. Criteria: Ambry Variant Classification Scheme 2023. Collection method: clinical testing. Allele origin: germline.

Blueprint Genetics
Classification: Uncertain significance. Last evaluated: 2021-11-10. Review status: criteria provided, single submitter. Criteria: ACMG Guidelines, 2015. Collection method: clinical testing. Allele origin: germline.

Fulgent Genetics
Classification: Uncertain significance for Timothy syndrome; Brugada syndrome 3; Long QT syndrome 8. Last evaluated: 2021-10-13. Review status: criteria provided, single submitter. Criteria: ACMG Guidelines, 2015. Collection method: clinical testing. Allele origin: unknown.

Literature cited by the submitters: PubMed 22584458 (cited by 3 submitters); PubMed 32145446 (cited by Women's Health and Genetics/Laboratory Corporation of America, LabCorp and Labcorp Genetics (formerly Invitae), Labcorp); PubMed 25633834 (cited by Ambry Genetics).

NM_000719.7(CACNA1C):c.5198C>T (p.Ala1733Val)

Genes: CACNA1C-AS1 (CACNA1C antisense RNA 1; minus strand), CACNA1C (calcium voltage-gated channel subunit alpha1 C; plus strand). Cytogenetic location: 12p13.33.
Variant type: single nucleotide variant.
Coding change: c.5198C>T on transcript NM_000719.7 (MANE Select); coding-DNA position 5198, C replaced by T.
Protein change: p.Ala1733Val; replaces alanine 1733 with valine.
Molecular consequence: missense variant.
Genome position (GRCh38, 1-based): chr12:2,679,550, C>T. VCF-style: chr12-2679550-C-T. GRCh37 (hg19) VCF-style: chr12-2788716-C-T.
Other names: p.A1733V:GCG>GTG; c.5342C>T, p.Ala1781Val (NM_001129827.2, NM_199460.4); c.5321C>T, p.Ala1774Val (NM_001129829.2); c.5198C>T, p.Ala1733Val (NM_001129830.3, NM_001129840.2, NM_001129841.2 and 4 more transcripts); c.5282C>T, p.Ala1761Val (NM_001129831.2); c.5258C>T, p.Ala1753Val (NM_001129832.2); c.5255C>T, p.Ala1752Val (NM_001129833.2, NM_001129834.2, NM_001129835.2); c.5249C>T, p.Ala1750Val (NM_001129836.2); and 4 more; short protein forms A1733V, A1781V, A1722V, A1750V, A1752V, A1753V, A1730V, A1739V.
Identifiers: ClinVar variation 190686 (VCV000190686.15), dbSNP rs201049603, ClinGen allele CA301631.